The following is an entry in ClinVar:

NM_000031.6(ALAD):c.463T>C (p.Leu155=)

Gene: ALAD (aminolevulinate dehydratase; minus strand). Cytogenetic location: 9q32.
Variant type: single nucleotide variant.
Coding change: c.463T>C on transcript NM_000031.6 (MANE Select); coding-DNA position 463, T replaced by C.
Protein change: p.Leu155=; no amino-acid change (leucine 155 retained).
Molecular consequence: synonymous variant.
Genome position (GRCh38, 1-based): chr9:113,390,611, A>G on the plus strand (T>C on the coding strand, the complement: ALAD is on the minus strand). VCF-style: chr9-113390611-A-G. GRCh37 (hg19) VCF-style: chr9-116152891-A-G.
Other names: p.Leu155=; c.550T>C, p.Leu184= (NM_001003945.3); c.439T>C, p.Leu147= (NM_001317745.2).
Identifiers: ClinVar variation 364648 (VCV000364648.16), dbSNP rs8177807, ClinGen allele CA5196483.

ClinVar aggregate classification (germline): Benign. Review status: criteria provided, multiple submitters, no conflicts (2 of 4 stars). 5 submissions from 5 submitters: Benign (5). Last evaluated 2026-02-01.

Conditions:
Porphobilinogen synthase deficiency. Also called: ALAD DEFICIENCY; DELTA-AMINOLEVULINATE DEHYDRATASE DEFICIENCY; DOSS PORPHYRIA; PORPHYRIA, ALAD; Porphyria due to ALA dehydratase deficiency. Identifiers: Orphanet 100924, MedGen C0268328, MONDO:0013000, OMIM 612740.

Allele frequency attached by ClinVar (database versions not stated): ESP Exome Variant Server 0.08250; gnomAD exomes 0.08311 and 0.08778; gnomAD 0.08877 and 0.08960; TOPMed 0.08879; ExAC 0.08805; 1000 Genomes Project 0.08906; 1000 Genomes Project 30x 0.08916.
gnomAD v4.1: 134,874 of 1,613,950 alleles (8.4%); highest among the groups gnomAD compares: Admixed American, 13%; 5,997 homozygotes.

Submissions (5):

Labcorp Genetics (formerly Invitae), Labcorp
Classification: Benign. Last evaluated: 2026-02-01. Review status: criteria provided, single submitter. Criteria: Invitae Variant Classification Sherloc (09022015). Collection method: clinical testing. Allele origin: germline.

Mayo Clinic Laboratories, Mayo Clinic
Classification: Benign. Last evaluated: 2022-04-17. Review status: criteria provided, single submitter. Criteria: ACMG Guidelines, 2015. Collection method: clinical testing. Allele origin: germline. Observed: 102 variant alleles.

GeneDx
Classification: Benign. Last evaluated: 2021-06-09. Review status: criteria provided, single submitter. Criteria: GeneDx Variant Classification Process June 2021. Collection method: clinical testing. Allele origin: germline. Affected: yes.

Illumina Laboratory Services, Illumina
Classification: Benign for Porphobilinogen synthase deficiency. Last evaluated: 2018-01-13. Review status: criteria provided, single submitter. Criteria: ICSL Variant Classification Criteria 13 December 2019. Collection method: clinical testing. Allele origin: germline.
Comment: This variant was observed in the ICSL laboratory as part of a predisposition screen in an ostensibly healthy population. It had not been previously curated by ICSL or reported in the Human Gene Mutation Database (HGMD: prior to June 1st, 2018), and was therefore a candidate for classification through an automated scoring system. Utilizing variant allele frequency, disease prevalence and penetrance estimates, and inheritance mode, an automated score was calculated to assess if this variant is too frequent to cause the disease. Based on the score and internal cut-off values, a variant classified as benign is not then subjected to further curation. The score for this variant resulted in a classification of benign for this disease.

Breakthrough Genomics
Classification: Benign. Review status: criteria provided, single submitter. Criteria: ACMG Guidelines, 2015. Collection method: not provided. Allele origin: germline. Inheritance: Autosomal recessive inheritance. Affected: yes.